The following is an entry in ClinVar:

ClinVar aggregate classification (germline): Likely benign. Review status: criteria provided, multiple submitters, no conflicts (2 of 4 stars). 3 submissions from 3 submitters: Likely benign (2). 1 of the submissions does not count toward it. Last evaluated 2025-11-05.

Conditions:
VPS13B-related disorder. Also called: VPS13B-related condition.
Cohen syndrome (COH1). Also called: PEPPER SYNDROME; Cutis verticis gyrata, retinitis pigmentosa, and sensorineural deafness. Identifiers: Orphanet 193, MedGen C0265223, MONDO:0008999, OMIM 216550.

Allele frequency attached by ClinVar (database versions not stated): TOPMed below 0.00001; gnomAD exomes 0.00001 and 0.00002; ExAC 0.00002.
gnomAD v4.1: 20 of 1,612,902 alleles (0.0012%); highest among the groups gnomAD compares: East Asian, 0.0045%; no homozygotes.

Submissions (3):

Labcorp Genetics (formerly Invitae), Labcorp
Classification: Likely benign for Cohen syndrome. Last evaluated: 2025-11-05. Review status: criteria provided, single submitter. Criteria: Invitae Variant Classification Sherloc (09022015). Collection method: clinical testing. Allele origin: germline.

Blueprint Genetics
Classification: Likely benign. Last evaluated: 2021-09-18. Review status: criteria provided, single submitter. Criteria: ACMG Guidelines, 2015. Collection method: clinical testing. Allele origin: germline.

PreventionGenetics, part of Exact Sciences
Classification: Likely benign for VPS13B-related condition. Last evaluated: 2024-08-20. Review status: no assertion criteria provided. Collection method: clinical testing. Allele origin: germline. Not counted in ClinVar's aggregate classification.
Comment: This variant is classified as likely benign based on ACMG/AMP sequence variant interpretation guidelines (Richards et al. 2015 PMID: 25741868, with internal and published modifications).

NM_152564.5(VPS13B):c.1425+8C>T

Gene: VPS13B (vacuolar protein sorting 13 homolog B; plus strand). Cytogenetic location: 8q22.2.
Variant type: single nucleotide variant.
Coding change: c.1425+8C>T on transcript NM_152564.5 (MANE Select); 8 bases into the intron after coding-DNA position 1425, C replaced by T.
Molecular consequence: intron variant.
Genome position (GRCh38, 1-based): chr8:99,135,145, C>T. VCF-style: chr8-99135145-C-T. GRCh37 (hg19) VCF-style: chr8-100147373-C-T.
Other names: c.1425+8C>T (NM_017890.5, NM_015243.3, NM_152564.4).
Identifiers: ClinVar variation 1080208 (VCV001080208.11), dbSNP rs758851977, ClinGen allele CA4822622.
Genomic context (GRCh38, chr8:99,135,145, plus strand): 5'-AAGGAATTATGGGTGTTAAAGATTTTGAAGAGAATATGAATAGAAGTGAAACTGTAAGTC[C>T]GTTTCCTCCATCCTTTTTTGGATAGGATATAGGAATAATTAAGTGCTTACTGAAGTGTTT-3'